The following is an entry in ClinVar:

ClinVar aggregate classification (germline): Uncertain significance (1 of 4 stars; one submission).

Conditions:
Hypokalemic periodic paralysis, type 1. Also called: Hypokalemic Periodic Paralysis Type 1 (AD); HypoPP. Identifiers: Orphanet 681, MedGen C3714580, MONDO:0042979, OMIM 170400.
Malignant hyperthermia, susceptibility to, 5 (MHS5). Also called: CACNA1S-Related Malignant Hyperthermia Susceptibility. Identifiers: Orphanet 423, MedGen C1866077, MONDO:0011163, OMIM 601887.

Submission:

Labcorp Genetics (formerly Invitae), Labcorp
Classification: Uncertain significance for Hypokalemic periodic paralysis, type 1; Malignant hyperthermia, susceptibility to, 5. Last evaluated: 2022-06-04. Review status: criteria provided, single submitter. Criteria: Invitae Variant Classification Sherloc (09022015). Collection method: clinical testing. Allele origin: germline.
Comment: This variant has not been reported in the literature in individuals affected with CACNA1S-related conditions. This sequence change replaces glycine, which is neutral and non-polar, with tryptophan, which is neutral and slightly polar, at codon 306 of the CACNA1S protein (p.Gly306Trp). This variant is not present in population databases (gnomAD no frequency). ClinVar contains an entry for this variant (Variation ID: 861750). Algorithms developed to predict the effect of missense changes on protein structure and function are either unavailable or do not agree on the potential impact of this missense change (SIFT: "Deleterious"; PolyPhen-2: "Probably Damaging"; Align-GVGD: "Class C15"). In summary, the available evidence is currently insufficient to determine the role of this variant in disease. Therefore, it has been classified as a Variant of Uncertain Significance.

NM_000069.3(CACNA1S):c.916G>T (p.Gly306Trp)

Gene: CACNA1S (calcium voltage-gated channel subunit alpha1 S; minus strand). Cytogenetic location: 1q32.1.
Variant type: single nucleotide variant.
Coding change: c.916G>T on transcript NM_000069.3 (MANE Select); coding-DNA position 916, G replaced by T.
Protein change: p.Gly306Trp; replaces glycine 306 with tryptophan.
Molecular consequence: missense variant.
Genome position (GRCh38, 1-based): chr1:201,087,914, C>A on the plus strand (G>T on the coding strand, the complement: CACNA1S is on the minus strand). VCF-style: chr1-201087914-C-A. GRCh37 (hg19) VCF-style: chr1-201057042-C-A.
Other names: short protein forms G306W.
Identifiers: ClinVar variation 861750 (VCV000861750.10), dbSNP rs1484525295, ClinGen allele CA344132693.